The following is an entry in ClinVar:

ClinVar aggregate classification (germline): Uncertain significance (1 of 4 stars; one submission).

Conditions:
Fanconi anemia (FA). Also called: Fanconi's anemia. Identifiers: Orphanet 84, MedGen C0015625, MeSH D005199, MONDO:0019391.

Allele frequency attached by ClinVar (database versions not stated): gnomAD 0.00001; TOPMed 0.00001; gnomAD exomes 0.00002 and 0.00003; ExAC 0.00003.
gnomAD v4.1: 38 of 1,613,922 alleles (0.0024%); highest among the groups gnomAD compares: Non-Finnish European, 0.00076%; no homozygotes.

Submission:

Labcorp Genetics (formerly Invitae), Labcorp
Classification: Uncertain significance for Fanconi anemia. Last evaluated: 2025-07-14. Review status: criteria provided, single submitter. Criteria: Invitae Variant Classification Sherloc (09022015). Collection method: clinical testing. Allele origin: germline.
Comment: This sequence change replaces histidine, which is basic and polar, with proline, which is neutral and non-polar, at codon 43 of the FANCF protein (p.His43Pro). This variant is present in population databases (rs761221734, gnomAD 0.07%). This variant has not been reported in the literature in individuals affected with FANCF-related conditions. ClinVar contains an entry for this variant (Variation ID: 574144). Invitae Evidence Modeling of protein sequence and biophysical properties (such as structural, functional, and spatial information, amino acid conservation, physicochemical variation, residue mobility, and thermodynamic stability) indicates that this missense variant is expected to disrupt FANCF protein function with a positive predictive value of 80%. In summary, the available evidence is currently insufficient to determine the role of this variant in disease. Therefore, it has been classified as a Variant of Uncertain Significance.

NM_022725.4(FANCF):c.128A>C (p.His43Pro)

Gene: FANCF (FA complementation group F; minus strand). Cytogenetic location: 11p14.3.
Variant type: single nucleotide variant.
Coding change: c.128A>C on transcript NM_022725.4 (MANE Select); coding-DNA position 128, A replaced by C.
Protein change: p.His43Pro; replaces histidine 43 with proline.
Molecular consequence: missense variant.
Genome position (GRCh38, 1-based): chr11:22,625,683, T>G on the plus strand (A>C on the coding strand, the complement: FANCF is on the minus strand). VCF-style: chr11-22625683-T-G. GRCh37 (hg19) VCF-style: chr11-22647229-T-G.
Other names: short protein forms H43P.
Identifiers: ClinVar variation 574144 (VCV000574144.8), dbSNP rs761221734, ClinGen allele CA5924425.
Genomic context (GRCh38, chr11:22,625,683, plus strand): 5'-TGCAGCCGCCGCTCCAGAGCCGTGCGAATGGGGCCATGCCGACCAAAGCGCCGATGGATG[T>G]GGCGCAGGTAGCGCGCCCACTGCAAGGCCCGGCGCACGGTGGCGGGGTCCCAGGTGCTGA-3'
Protein context (NP_073562.1, residues 33-53): RALQWARYLR[His43Pro]IHRRFGRHGP